The following is an entry in ClinVar:

NM_025243.4(SLC19A3):c.894T>G (p.Tyr298Ter)

Gene: SLC19A3 (solute carrier family 19 member 3; minus strand). Cytogenetic location: 2q36.3.
Variant type: single nucleotide variant.
Coding change: c.894T>G on transcript NM_025243.4 (MANE Select); coding-DNA position 894, T replaced by G.
Protein change: p.Tyr298Ter; replaces tyrosine 298 with a stop codon.
Molecular consequence: nonsense.
Genome position (GRCh38, 1-based): chr2:227,698,821, A>C on the plus strand (T>G on the coding strand, the complement: SLC19A3 is on the minus strand). VCF-style: chr2-227698821-A-C. GRCh37 (hg19) VCF-style: chr2-228563537-A-C.
Other names: c.894T>G, p.Tyr298Ter (NM_001371411.1, NM_001371412.1); c.882T>G, p.Tyr294Ter (NM_001371413.1, NM_001371414.1); short protein forms Y294*, Y298*.
Identifiers: ClinVar variation 872654 (VCV000872654.42), dbSNP rs1474448985, ClinGen allele CA350876231.
Genomic context (GRCh38, chr2:227,698,821, plus strand): 5'-GGCCCCATTATAGATGGAAGAATCTTGGGATGGCGCCTTGTAATCCCACAGGATTTGAAC[A>C]TAGTTCAAAACCTGGTTAAAACCTGCTGTGGCGAAAGCCCACCATAGAGACCAGTAGAAA-3'

ClinVar aggregate classification (germline): Pathogenic. Review status: criteria provided, multiple submitters, no conflicts (2 of 4 stars). 2 submissions from 2 submitters: Pathogenic (2). Last evaluated 2022-01-03.

Conditions:
Biotin-responsive basal ganglia disease (BTBGD). Also called: THIAMINE METABOLISM DYSFUNCTION SYNDROME 2 (BIOTIN- AND THIAMINE-RESPONSIVE TYPE); Thiamine metabolism dysfunction syndrome type 2; Thiamine Transporter-2 Deficiency; Thiamine metabolism dysfunction syndrome 2 (biotin- or thiamine-responsive encephalopathy type 2); thiamine-responsive encephalopathy. Identifiers: Orphanet 199348, Orphanet 65284, MedGen C1843807, MONDO:0011841, OMIM 607483.

Submissions (2):

3billion
Classification: Pathogenic for Biotin-responsive basal ganglia disease. Last evaluated: 2022-01-03. Review status: criteria provided, single submitter. Criteria: ACMG Guidelines, 2015. Collection method: clinical testing. Allele origin: germline. Affected: yes. Observed: 1 homozygote.
Comment: Stop-gained (nonsense): predicted to result in a loss or disruption of normal protein function through nonsense-mediated decay (NMD) or protein truncation. Multiple pathogenic variants are reported downstream of the variant (PVS1_VS).The variant has been reported to be associated with SLC19A3 related disorder (ClinVar ID: VCV000872654, PMID:30054086). It is not observed in the gnomAD v2.1.1 dataset (PM2_M). Therefore, this variant is classified as pathogenic according to the recommendation of ACMG/AMP guideline.

CeGaT Center for Human Genetics Tuebingen
Classification: Pathogenic. Last evaluated: 2018-02-01. Review status: criteria provided, single submitter. Criteria: CeGaT Center For Human Genetics Tuebingen Variant Classification Criteria Version 2. Collection method: clinical testing. Allele origin: germline. Affected: yes. Observed: 1 variant allele.

Literature cited by the submitters: PubMed 30054086 (cited by 3billion).